The following is an entry in ClinVar:

NM_018238.4(AGK):c.*992G>A

Gene: AGK (acylglycerol kinase; plus strand). Cytogenetic location: 7q34.
Variant type: single nucleotide variant.
Coding change: c.*992G>A on transcript NM_018238.4 (MANE Select); 992 bases downstream of the stop codon, G replaced by A.
Molecular consequence: 3 prime UTR variant.
Genome position (GRCh38, 1-based): chr7:141,653,916, G>A. VCF-style: chr7-141653916-G-A. GRCh37 (hg19) VCF-style: chr7-141353716-G-A.
Other names: c.*992G>A (LRG_1251t1).
Identifiers: ClinVar variation 359077 (VCV000359077.5), dbSNP rs191308473, ClinGen allele CA10628321.

ClinVar aggregate classification (germline): Likely benign. Review status: criteria provided, single submitter (1 of 4 stars). 2 submissions from 1 submitter: Likely benign (2). Last evaluated 2018-01-12.

Conditions:
Sengers syndrome. Also called: MITOCHONDRIAL DNA DEPLETION SYNDROME 10 (CARDIOMYOPATHIC TYPE); Cardiomyopathy and cataract. Identifiers: Orphanet 1369, MedGen C1859317, MONDO:0008922, OMIM 212350.
Cataract 38. Also called: Cataract, autosomal recessive congenital 5; Cataract 38, autosomal recessive. Identifiers: Orphanet 91492, MedGen C3553494, MONDO:0013859, OMIM 614691.

Allele frequency attached by ClinVar (database versions not stated): 1000 Genomes Project 0.00140; 1000 Genomes Project 30x 0.00141; gnomAD 0.00167 and 0.00172; TOPMed 0.00178.

Submissions (2):

Illumina Laboratory Services, Illumina
Classification: Likely benign for Sengers syndrome. Last evaluated: 2018-01-12. Review status: criteria provided, single submitter. Criteria: ICSL Variant Classification Criteria 13 December 2019. Collection method: clinical testing. Allele origin: germline.
Comment: This variant was observed in the ICSL laboratory as part of a predisposition screen in an ostensibly healthy population. It had not been previously curated by ICSL or reported in the Human Gene Mutation Database (HGMD: prior to June 1st, 2018), and was therefore a candidate for classification through an automated scoring system. Utilizing variant allele frequency, disease prevalence and penetrance estimates, and inheritance mode, an automated score was calculated to assess if this variant is too frequent to cause the disease. Based on the score and internal cut-off values, a variant classified as likely benign is not then subjected to further curation. The score for this variant resulted in a classification of likely benign for this disease.

Illumina Laboratory Services, Illumina
Classification: Likely benign for Cataract 38. Last evaluated: 2018-01-12. Review status: criteria provided, single submitter. Criteria: ICSL Variant Classification Criteria 13 December 2019. Collection method: clinical testing. Allele origin: germline.
Comment: the same text as in the submission from Illumina Laboratory Services, Illumina above.